The following is an entry in ClinVar:

ClinVar aggregate classification (germline): Uncertain significance. Review status: criteria provided, multiple submitters, no conflicts (2 of 4 stars). 3 submissions from 3 submitters: Uncertain significance (3). Last evaluated 2026-01-21.

Conditions:
Hereditary cancer-predisposing syndrome. Also called: Tumor predisposition; Hereditary neoplastic syndrome; Neoplastic Syndromes, Hereditary; Hereditary Cancer Syndrome. Identifiers: Orphanet 140162, MedGen C0027672, MeSH D009386, MONDO:0015356.
Ataxia-telangiectasia syndrome (AT). Also called: Ataxia-telangiectasia, complementation group D; AT, COMPLEMENTATION GROUP C; ATAXIA-TELANGIECTASIA, COMPLEMENTATION GROUP A; ATAXIA-TELANGIECTASIA, FRESNO VARIANT; Ataxia-telangiectasia; LOUIS-BAR SYNDROME. Identifiers: Orphanet 100, MedGen C0004135, MONDO:0008840, OMIM 208900.

Submissions (3):

Labcorp Genetics (formerly Invitae), Labcorp
Classification: Uncertain significance for Ataxia-telangiectasia syndrome. Last evaluated: 2026-01-21. Review status: criteria provided, single submitter. Criteria: Invitae Variant Classification Sherloc (09022015). Collection method: clinical testing. Allele origin: germline.
Comment: This sequence change replaces histidine, which is basic and polar, with arginine, which is basic and polar, at codon 2788 of the ATM protein (p.His2788Arg). This variant is not present in population databases (gnomAD no frequency). This variant has not been reported in the literature in individuals affected with ATM-related conditions. ClinVar contains an entry for this variant (Variation ID: 628194). Invitae Evidence Modeling of protein sequence and biophysical properties (such as structural, functional, and spatial information, amino acid conservation, physicochemical variation, residue mobility, and thermodynamic stability) indicates that this missense variant is expected to disrupt ATM protein function with a positive predictive value of 95%. In summary, the available evidence is currently insufficient to determine the role of this variant in disease. Therefore, it has been classified as a Variant of Uncertain Significance.

Ambry Genetics
Classification: Uncertain significance for Hereditary cancer-predisposing syndrome. Last evaluated: 2025-01-21. Review status: criteria provided, single submitter. Criteria: Ambry Variant Classification Scheme 2023. Collection method: clinical testing. Allele origin: germline.
Comment: The p.H2788R variant (also known as c.8363A>G), located in coding exon 56 of the ATM gene, results from an A to G substitution at nucleotide position 8363. The histidine at codon 2788 is replaced by arginine, an amino acid with highly similar properties. This variant has been identified in the homozygous state and/or in conjunction with other ATM variant(s) in individual(s) with features consistent with Ataxia telangiectasia (Kim J et al. Nature, 2023 Jul;619:828-836). This amino acid position is highly conserved in available vertebrate species. In addition, this alteration is predicted to be deleterious by in silico analysis. Based on the available evidence, the clinical significance of this variant remains unclear.

Color Diagnostics, LLC DBA Color Health
Classification: Uncertain significance for Hereditary cancer-predisposing syndrome. Last evaluated: 2023-10-03. Review status: criteria provided, single submitter. Criteria: ACMG Guidelines, 2015. Collection method: clinical testing. Allele origin: germline.
Comment: This missense variant replaces histidine with arginine at codon 2788 of the ATM protein. Computational prediction suggests that this variant may have deleterious impact on protein structure and function (internally defined REVEL score threshold >= 0.7, PMID: 27666373). To our knowledge, functional studies have not been reported for this variant. This variant has not been reported in individuals affected with ATM-related disorders in the literature. This variant has not been identified in the general population by the Genome Aggregation Database (gnomAD). The available evidence is insufficient to determine the role of this variant in disease conclusively. Therefore, this variant is classified as a Variant of Uncertain Significance.

Literature cited by the submitters: PubMed 37438524 (cited by Ambry Genetics).

NM_000051.4(ATM):c.8363A>G (p.His2788Arg)

Genes: ATM (ATM serine/threonine kinase; plus strand), C11orf65 (chromosome 11 open reading frame 65; minus strand). Cytogenetic location: 11q22.3.
Variant type: single nucleotide variant.
Coding change: c.8363A>G on transcript NM_000051.4 (MANE Select); coding-DNA position 8363, A replaced by G.
Protein change: p.His2788Arg; replaces histidine 2788 with arginine.
Molecular consequence: missense variant. On other transcripts: intron variant (2).
Genome position (GRCh38, 1-based): chr11:108,343,316, A>G. VCF-style: chr11-108343316-A-G. GRCh37 (hg19) VCF-style: chr11-108214043-A-G.
Other names: c.8363A>G, p.His2788Arg (NM_001351834.2); c.641-34245T>C (NM_001330368.2); c.695-8024T>C (NM_001351110.2); short protein forms H2788R.
Identifiers: ClinVar variation 628194 (VCV000628194.16), dbSNP rs1555135716, ClinGen allele CA382516508.